The following is an entry in ClinVar:

NM_015937.6(PIGT):c.1073T>G (p.Val358Gly)

Gene: PIGT (phosphatidylinositol glycan anchor biosynthesis class T; plus strand). Cytogenetic location: 20q13.12.
Variant type: single nucleotide variant.
Coding change: c.1073T>G on transcript NM_015937.6 (MANE Select); coding-DNA position 1073, T replaced by G.
Protein change: p.Val358Gly; replaces valine 358 with glycine.
Molecular consequence: missense variant. On other transcripts: non-coding transcript variant (5), intron variant (1).
Genome position (GRCh38, 1-based): chr20:45,421,422, T>G. VCF-style: chr20-45421422-T-G. GRCh37 (hg19) VCF-style: chr20-44050062-T-G.
Other names: c.905T>G, p.Val302Gly (NM_001184728.3); c.767T>G, p.Val256Gly (NM_001184730.3); c.1033+729T>G (NM_001184729.3); c.1073T>G (NM_015937.5); short protein forms V358G, V256G, V302G.
Identifiers: ClinVar variation 1398610 (VCV001398610.6), dbSNP rs755236661, ClinGen allele CA315575963.

ClinVar aggregate classification (germline): Uncertain significance. Review status: criteria provided, multiple submitters, no conflicts (2 of 4 stars). 2 submissions from 2 submitters: Uncertain significance (2). Last evaluated 2023-07-31.

Conditions:
Multiple congenital anomalies-hypotonia-seizures syndrome 3 (MCAHS3). Also called: GLYCOSYLPHOSPHATIDYLINOSITOL BIOSYNTHESIS DEFECT 7. Identifiers: Orphanet 369837, MedGen C3809356, MONDO:0014165, OMIM 615398.

Allele frequency attached by ClinVar (database versions not stated): gnomAD exomes below 0.00001 and 0.00002; gnomAD 0.00002; TOPMed 0.00002.
gnomAD v4.1: 30 of 1,614,024 alleles (0.0019%); highest among the groups gnomAD compares: Non-Finnish European, 0.0024%; no homozygotes.

Submissions (2):

GeneDx
Classification: Uncertain significance. Last evaluated: 2023-07-31. Review status: criteria provided, single submitter. Criteria: GeneDx Variant Classification Process June 2021. Collection method: clinical testing. Allele origin: germline. Affected: yes.
Comment: Not observed at significant frequency in large population cohorts (gnomAD); In silico analysis supports that this missense variant has a deleterious effect on protein structure/function; Has not been previously published as pathogenic or benign to our knowledge

Labcorp Genetics (formerly Invitae), Labcorp
Classification: Uncertain significance for Multiple congenital anomalies-hypotonia-seizures syndrome 3. Last evaluated: 2022-07-19. Review status: criteria provided, single submitter. Criteria: Invitae Variant Classification Sherloc (09022015). Collection method: clinical testing. Allele origin: germline.
Comment: This sequence change replaces valine, which is neutral and non-polar, with glycine, which is neutral and non-polar, at codon 358 of the PIGT protein (p.Val358Gly). This variant is present in population databases (rs755236661, gnomAD 0.004%). This variant has not been reported in the literature in individuals affected with PIGT-related conditions. ClinVar contains an entry for this variant (Variation ID: 1398610). Algorithms developed to predict the effect of missense changes on protein structure and function are either unavailable or do not agree on the potential impact of this missense change (SIFT: "Deleterious"; PolyPhen-2: "Probably Damaging"; Align-GVGD: "Class C0"). In summary, the available evidence is currently insufficient to determine the role of this variant in disease. Therefore, it has been classified as a Variant of Uncertain Significance.